The following is an entry in ClinVar:

NM_020631.6(PLEKHG5):c.2433C>T (p.Arg811=)

Gene: PLEKHG5 (pleckstrin homology and RhoGEF domain containing G5; minus strand). Cytogenetic location: 1p36.31.
Variant type: single nucleotide variant.
Coding change: c.2433C>T on transcript NM_020631.6 (MANE Select); coding-DNA position 2433, C replaced by T.
Protein change: p.Arg811=; no amino-acid change (arginine 811 retained).
Molecular consequence: synonymous variant.
Genome position (GRCh38, 1-based): chr1:6,468,403, G>A on the plus strand (C>T on the coding strand, the complement: PLEKHG5 is on the minus strand). VCF-style: chr1-6468403-G-A. GRCh37 (hg19) VCF-style: chr1-6528463-G-A.
Other names: c.2544C>T, p.Arg848= (NM_001042663.3, NM_001265592.2); c.2433C>T, p.Arg811= (NM_001042664.2, NM_001042665.2, NM_001265594.3 and 1 more transcripts); c.2640C>T, p.Arg880= (NM_001265593.2).
Identifiers: ClinVar variation 287911 (VCV000287911.46), dbSNP rs759272412, ClinGen allele CA10605910.

ClinVar aggregate classification (germline): Conflicting classifications of pathogenicity. Review status: criteria provided, conflicting classifications (1 of 4 stars). 8 submissions from 8 submitters: Uncertain significance (2); Likely benign (6). Last evaluated 2025-12-06.

Conditions:
Inborn genetic diseases. Identifiers: MedGen C0950123, MeSH D030342.
PLEKHG5-related disorder. Also called: PLEKHG5-related condition.
Charcot-Marie-Tooth disease recessive intermediate C. Also called: CHARCOT-MARIE-TOOTH NEUROPATHY, RECESSIVE INTERMEDIATE C. Identifiers: Orphanet 369867, MedGen C3809309, MONDO:0014154, OMIM 615376.
Neuronopathy, distal hereditary motor, autosomal recessive 4. Also called: Autosomal recessive lower motor neuron disease with childhood onset; NEUROPATHY, DISTAL HEREDITARY MOTOR, AUTOSOMAL RECESSIVE 4. Identifiers: Orphanet 206580, MedGen C1970211, MONDO:0012608, OMIM 611067.

Allele frequency attached by ClinVar (database versions not stated): TOPMed 0.00001; gnomAD 0.00002.
gnomAD v4.1: 54 of 1,611,408 alleles (0.0034%); highest among the groups gnomAD compares: Middle Eastern, 0.61%; 1 homozygote.

Submissions (8):

Labcorp Genetics (formerly Invitae), Labcorp
Classification: Likely benign for Neuronopathy, distal hereditary motor, autosomal recessive 4; Charcot-Marie-Tooth disease recessive intermediate C. Last evaluated: 2025-12-06. Review status: criteria provided, single submitter. Criteria: Invitae Variant Classification Sherloc (09022015). Collection method: clinical testing. Allele origin: germline.

PreventionGenetics, part of Exact Sciences
Classification: Likely benign for PLEKHG5-related condition. Last evaluated: 2025-11-24. Review status: criteria provided, single submitter. Criteria: ACMG Guidelines, 2015. Collection method: clinical testing. Allele origin: germline.
Comment: This variant is classified as likely benign based on ACMG/AMP sequence variant interpretation guidelines (Richards et al. 2015 PMID: 25741868, with internal and published modifications).

Blueprint Genetics
Classification: Likely benign. Last evaluated: 2024-10-16. Review status: criteria provided, single submitter. Criteria: ACMG Guidelines, 2015. Collection method: clinical testing. Allele origin: germline.

CeGaT Center for Human Genetics Tuebingen
Classification: Likely benign. Last evaluated: 2022-09-01. Review status: criteria provided, single submitter. Criteria: CeGaT Center For Human Genetics Tuebingen Variant Classification Criteria Version 2. Collection method: clinical testing. Allele origin: germline. Affected: yes. Observed: 1 variant allele.
Comment: PLEKHG5: BP4, BP7

Ambry Genetics
Classification: Likely benign for Inborn genetic diseases. Last evaluated: 2019-07-11. Review status: criteria provided, single submitter. Criteria: Ambry Variant Classification Scheme 2023. Collection method: clinical testing. Allele origin: germline.

GeneDx
Classification: Likely benign. Last evaluated: 2019-03-12. Review status: criteria provided, single submitter. Criteria: GeneDx Variant Classification Process June 2021. Collection method: clinical testing. Allele origin: germline. Affected: yes.

Illumina Laboratory Services, Illumina
Classification: Uncertain significance for Neuronopathy, distal hereditary motor, autosomal recessive 4. Last evaluated: 2018-01-13. Review status: criteria provided, single submitter. Criteria: ICSL Variant Classification Criteria 13 December 2019. Collection method: clinical testing. Allele origin: germline.

Eurofins Ntd Llc (ga)
Classification: Uncertain significance. Last evaluated: 2016-06-21. Review status: criteria provided, single submitter. Criteria: EGL Classification Definitions 2015. Collection method: clinical testing. Allele origin: germline. Observed: 1 variant allele, 1 heterozygote.